The following is an entry in ClinVar:

ClinVar aggregate classification (germline): Likely pathogenic (1 of 4 stars; one submission).

Conditions:
RELT-related disorder. Also called: RELT-related condition.

Submission:

PreventionGenetics, part of Exact Sciences
Classification: Likely pathogenic for RELT-related condition. Last evaluated: 2026-02-16. Review status: criteria provided, single submitter. Criteria: ACMG Guidelines, 2015. Collection method: clinical testing. Allele origin: germline.
Comment: The RELT c.288delG variant is predicted to result in a frameshift and premature protein termination (p.Trp97Glyfs*134). To our knowledge, this variant has not been reported in the literature. This variant is reported in 0.00088% of alleles in individuals of European (Non-Finnish) descent in gnomAD. Frameshift variants in RELT are expected to be pathogenic. This variant is interpreted as likely pathogenic.

NM_152222.1(RELT):c.288delG

Gene: RELT (RELT TNF receptor; plus strand). Cytogenetic location: 11q13.4.
Variant type: Deletion.
Coding change: c.288delG on transcript NM_152222.1; coding-DNA position 288, one base deleted (G).
Genome position (GRCh38, 1-based): chr11:73,391,144, G deleted; the last of 2 consecutive G bases (chr11:73,391,143-73,391,144); deleting either gives the same sequence. VCF-style (leftmost placement, unchanged base first): chr11-73391142-AG-A. GRCh37 (hg19) VCF-style: chr11-73102187-AG-A.
Identifiers: ClinVar variation 5000042 (VCV005000042.1).